The following is an entry in ClinVar:

NM_001291303.3(FAT4):c.14282T>C (p.Met4761Thr)

Gene: FAT4 (FAT atypical cadherin 4; plus strand). Cytogenetic location: 4q28.1.
Variant type: single nucleotide variant.
Coding change: c.14282T>C on transcript NM_001291303.3 (MANE Select); coding-DNA position 14282, T replaced by C.
Protein change: p.Met4761Thr; replaces methionine 4761 with threonine.
Molecular consequence: missense variant.
Genome position (GRCh38, 1-based): chr4:125,491,098, T>C. VCF-style: chr4-125491098-T-C. GRCh37 (hg19) VCF-style: chr4-126412253-T-C.
Other names: c.14279T>C, p.Met4760Thr (NM_001291285.3); c.14276T>C, p.Met4759Thr (NM_024582.6); short protein forms M4760T, M4761T, M4759T.
Identifiers: ClinVar variation 2184034 (VCV002184034.3), dbSNP rs1727619174, ClinGen allele CA358141592.

ClinVar aggregate classification (germline): Uncertain significance (1 of 4 stars; one submission).

Allele frequency attached by ClinVar (database versions not stated): gnomAD exomes below 0.00001; TOPMed below 0.00001; gnomAD 0.00001.
gnomAD v4.1: 3 of 1,614,082 alleles (0.00019%); highest among the groups gnomAD compares: Non-Finnish European, 0.00025%; no homozygotes.

Submission:

Labcorp Genetics (formerly Invitae), Labcorp
Classification: Uncertain significance. Last evaluated: 2022-05-21. Review status: criteria provided, single submitter. Criteria: Invitae Variant Classification Sherloc (09022015). Collection method: clinical testing. Allele origin: germline.
Comment: In summary, the available evidence is currently insufficient to determine the role of this variant in disease. Therefore, it has been classified as a Variant of Uncertain Significance. Advanced modeling of protein sequence and biophysical properties (such as structural, functional, and spatial information, amino acid conservation, physicochemical variation, residue mobility, and thermodynamic stability) performed at Invitae indicates that this missense variant is not expected to disrupt FAT4 protein function. This variant has not been reported in the literature in individuals affected with FAT4-related conditions. This variant is not present in population databases (gnomAD no frequency). This sequence change replaces methionine, which is neutral and non-polar, with threonine, which is neutral and polar, at codon 4759 of the FAT4 protein (p.Met4759Thr).